The following is an entry in ClinVar:

ClinVar aggregate classification (germline): Uncertain significance. Review status: criteria provided, multiple submitters, no conflicts (2 of 4 stars). 3 submissions from 3 submitters: Uncertain significance (3). Last evaluated 2023-08-30.

Conditions:
Cowden syndrome 5 (CWS5). Identifiers: Orphanet 201, MedGen C3554518, MONDO:0014047, OMIM 615108.
Inborn genetic diseases. Identifiers: MedGen C0950123, MeSH D030342.
Cowden syndrome (CS). Also called: Cowden's disease; Cowden's syndrome; Cowden disease. Identifiers: Orphanet 201, MedGen C0018553, MONDO:0016063. Disease mechanism: gain of function.

Allele frequency attached by ClinVar (database versions not stated): gnomAD exomes below 0.00001; gnomAD 0.00001.
gnomAD v4.1: 2 of 1,613,424 alleles (0.00012%); highest among the groups gnomAD compares: African/African-American, 0.0013%; no homozygotes.

Submissions (3):

Ambry Genetics
Classification: Uncertain significance for Inborn genetic diseases. Last evaluated: 2023-08-30. Review status: criteria provided, single submitter. Criteria: Ambry Variant Classification Scheme 2023. Collection method: clinical testing. Allele origin: germline.
Comment: The p.C215Y variant (also known as c.644G>A), located in coding exon 3 of the PIK3CA gene, results from a G to A substitution at nucleotide position 644. The cysteine at codon 215 is replaced by tyrosine, an amino acid with highly dissimilar properties. This amino acid position is conserved. In addition, this alteration is predicted to be tolerated by in silico analysis. Since supporting evidence is limited at this time, the clinical significance of this alteration remains unclear.

Revvity Omics, Revvity
Classification: Uncertain significance for Cowden syndrome 5. Last evaluated: 2021-06-03. Review status: criteria provided, single submitter. Criteria: ACMG Guidelines, 2015. Collection method: clinical testing. Allele origin: germline.

Labcorp Genetics (formerly Invitae), Labcorp
Classification: Uncertain significance for Cowden syndrome. Last evaluated: 2020-04-18. Review status: criteria provided, single submitter. Criteria: Invitae Variant Classification Sherloc (09022015). Collection method: clinical testing. Allele origin: germline.
Comment: This variant is not present in population databases (ExAC no frequency). This variant has not been reported in the literature in individuals with PIK3CA-related conditions. Algorithms developed to predict the effect of missense changes on protein structure and function output the following: SIFT: "Deleterious"; PolyPhen-2: "Benign"; Align-GVGD: "Class C0". The tyrosine amino acid residue is found in multiple mammalian species, suggesting that this missense change does not adversely affect protein function. These predictions have not been confirmed by published functional studies and their clinical significance is uncertain. In summary, the available evidence is currently insufficient to determine the role of this variant in disease. Therefore, it has been classified as a Variant of Uncertain Significance. This sequence change replaces cysteine with tyrosine at codon 215 of the PIK3CA protein (p.Cys215Tyr). The cysteine residue is highly conserved and there is a large physicochemical difference between cysteine and tyrosine.

NM_006218.4(PIK3CA):c.644G>A (p.Cys215Tyr)

Gene: PIK3CA (phosphatidylinositol-4,5-bisphosphate 3-kinase catalytic subunit alpha; plus strand). Cytogenetic location: 3q26.32.
Variant type: single nucleotide variant.
Coding change: c.644G>A on transcript NM_006218.4 (MANE Select); coding-DNA position 644, G replaced by A.
Protein change: p.Cys215Tyr; replaces cysteine 215 with tyrosine.
Molecular consequence: missense variant.
Genome position (GRCh38, 1-based): chr3:179,201,371, G>A. VCF-style: chr3-179201371-G-A. GRCh37 (hg19) VCF-style: chr3-178919159-G-A.
Other names: c.644G>A (NM_006218.2); short protein forms C215Y.
Identifiers: ClinVar variation 1016397 (VCV001016397.14), dbSNP rs1724405220, ClinGen allele CA355276546.
Genomic context (GRCh38, chr3:179,201,371, plus strand): 5'-GGGTAATAGTTTCTCCAAATAATGACAAGCAGAAGTATACTCTGAAAATCAACCATGACT[G>A]TGTACCAGAACAAGTAATTGCTGAAGCAATCAGGAAAAAAACTCGAAGTATGTTGCTATC-3'
Protein context (NP_006209.2, residues 205-225): QKYTLKINHD[Cys215Tyr]VPEQVIAEAI